The following is an entry in ClinVar:

ClinVar aggregate classification (germline): Uncertain significance. Review status: criteria provided, multiple submitters, no conflicts (2 of 4 stars). 4 submissions from 4 submitters: Uncertain significance (4). Last evaluated 2025-06-30.

Conditions:
NPHP4-related disorder. Also called: NPHP4-related disorders; NPHP4-related condition. Identifiers: MedGen CN239384.
Nephronophthisis. Also called: Juvenile Nephronophthisis. Identifiers: Orphanet 655, MedGen C0687120, MONDO:0019005, HP:0000090.
Inborn genetic diseases. Identifiers: MedGen C0950123, MeSH D030342.

Allele frequency attached by ClinVar (database versions not stated): ExAC 0.00001; gnomAD exomes 0.00001 and 0.00002; TOPMed 0.00001.
gnomAD v4.1: 3 of 1,613,206 alleles (0.00019%); highest among the groups gnomAD compares: Admixed American, 0.005%; no homozygotes.

Submissions (4):

PreventionGenetics, part of Exact Sciences
Classification: Uncertain significance for NPHP4-related condition. Last evaluated: 2025-06-30. Review status: criteria provided, single submitter. Criteria: ACMG Guidelines, 2015. Collection method: clinical testing. Allele origin: germline.
Comment: The NPHP4 c.4006A>G variant is predicted to result in the amino acid substitution p.Ile1336Val. To our knowledge, this variant has not been reported in the literature. This variant is reported in 0.012% of alleles in individuals of Latino descent in gnomAD. At this time, the clinical significance of this variant is uncertain due to the absence of conclusive functional and genetic evidence.

Ambry Genetics
Classification: Uncertain significance for Inborn genetic diseases. Last evaluated: 2024-02-28. Review status: criteria provided, single submitter. Criteria: Ambry Variant Classification Scheme 2023. Collection method: clinical testing. Allele origin: germline.

Labcorp Genetics (formerly Invitae), Labcorp
Classification: Uncertain significance for Nephronophthisis. Last evaluated: 2022-02-20. Review status: criteria provided, single submitter. Criteria: Invitae Variant Classification Sherloc (09022015). Collection method: clinical testing. Allele origin: germline.
Comment: This sequence change replaces isoleucine, which is neutral and non-polar, with valine, which is neutral and non-polar, at codon 1336 of the NPHP4 protein (p.Ile1336Val). This variant is present in population databases (rs760369582, gnomAD 0.01%). This variant has not been reported in the literature in individuals affected with NPHP4-related conditions. ClinVar contains an entry for this variant (Variation ID: 594982). Algorithms developed to predict the effect of missense changes on protein structure and function (SIFT, PolyPhen-2, Align-GVGD) all suggest that this variant is likely to be disruptive. In summary, the available evidence is currently insufficient to determine the role of this variant in disease. Therefore, it has been classified as a Variant of Uncertain Significance.

Eurofins Ntd Llc (ga)
Classification: Uncertain significance. Last evaluated: 2017-11-13. Review status: criteria provided, single submitter. Criteria: EGL Classification Definitions 2015. Collection method: clinical testing. Allele origin: germline. Observed: 1 variant allele, 1 heterozygote.

NM_015102.5(NPHP4):c.4006A>G (p.Ile1336Val)

Gene: NPHP4 (nephrocystin 4; minus strand). Cytogenetic location: 1p36.31.
Variant type: single nucleotide variant.
Coding change: c.4006A>G on transcript NM_015102.5 (MANE Select); coding-DNA position 4006, A replaced by G.
Protein change: p.Ile1336Val; replaces isoleucine 1336 with valine.
Molecular consequence: missense variant. On other transcripts: non-coding transcript variant (1).
Genome position (GRCh38, 1-based): chr1:5,864,024, T>C on the plus strand (A>G on the coding strand, the complement: NPHP4 is on the minus strand). VCF-style: chr1-5864024-T-C. GRCh37 (hg19) VCF-style: chr1-5924084-T-C.
Other names: c.2467A>G, p.Ile823Val (NM_001291593.2); c.2470A>G, p.Ile824Val (NM_001291594.2); c.4006A>G (NM_015102.3, NM_015102.4); short protein forms I1336V, I823V, I824V.
Identifiers: ClinVar variation 594982 (VCV000594982.11), dbSNP rs760369582, ClinGen allele CA553379.